The following is an entry in ClinVar:

NM_000123.4(ERCC5):c.554C>T (p.Ala185Val)

Genes: BIVM-ERCC5 (BIVM-ERCC5 readthrough; plus strand), ERCC5 (ERCC excision repair 5, endonuclease; plus strand). Cytogenetic location: 13q33.1.
Variant type: single nucleotide variant.
Coding change: c.554C>T on transcript NM_000123.4 (MANE Select); coding-DNA position 554, C replaced by T.
Protein change: p.Ala185Val; replaces alanine 185 with valine.
Molecular consequence: missense variant.
Genome position (GRCh38, 1-based): chr13:102,858,300, C>T. VCF-style: chr13-102858300-C-T. GRCh37 (hg19) VCF-style: chr13-103510650-C-T.
Other names: c.1916C>T, p.Ala639Val (NM_001204425.2); short protein forms A185V, A639V.
Identifiers: ClinVar variation 1319276 (VCV001319276.8), dbSNP rs151061520, ClinGen allele CA7041214.
Genomic context (GRCh38, chr13:102,858,300, plus strand): 5'-GTAAATTTCATGGTGCTGTGATTTTATCTTTACAGGAAGAGTTCTTTCATAATCCTCAAG[C>T]GATAGATATTGAGTCTGAGGACTTCAGCAGCCTGCCCCCTGAAGTAAAGCATGAAATCTT-3'
Protein context (NP_000114.3, residues 175-195): LQEEFFHNPQ[Ala185Val]IDIESEDFSS

ClinVar aggregate classification (germline): Uncertain significance. Review status: criteria provided, multiple submitters, no conflicts (2 of 4 stars). 3 submissions from 3 submitters: Uncertain significance (3). Last evaluated 2025-02-27.

Allele frequency attached by ClinVar (database versions not stated): ExAC 0.00005; gnomAD 0.00007 and 0.00019; gnomAD exomes 0.00008 and 0.00010; TOPMed 0.00014; ESP Exome Variant Server 0.00015.
gnomAD v4.1: 172 of 1,613,922 alleles (0.011%); highest among the groups gnomAD compares: East Asian, 0.06%; 1 homozygote.

Submissions (3):

GeneDx
Classification: Uncertain significance. Last evaluated: 2025-02-27. Review status: criteria provided, single submitter. Criteria: GeneDx Variant Classification Process June 2021. Collection method: clinical testing. Allele origin: germline. Affected: yes.
Comment: Not observed at significant frequency in large population cohorts (gnomAD); In silico analysis supports that this missense variant has a deleterious effect on protein structure/function; Has not been previously published as pathogenic or benign to our knowledge

Labcorp Genetics (formerly Invitae), Labcorp
Classification: Uncertain significance. Last evaluated: 2025-02-24. Review status: criteria provided, single submitter. Criteria: Invitae Variant Classification Sherloc (09022015). Collection method: clinical testing. Allele origin: germline.
Comment: This sequence change replaces alanine, which is neutral and non-polar, with valine, which is neutral and non-polar, at codon 185 of the ERCC5 protein (p.Ala185Val). This variant is present in population databases (rs151061520, gnomAD 0.01%). This variant has not been reported in the literature in individuals affected with ERCC5-related conditions. ClinVar contains an entry for this variant (Variation ID: 1319276). An algorithm developed to predict the effect of missense changes on protein structure and function (PolyPhen-2) suggests that this variant is likely to be disruptive. In summary, the available evidence is currently insufficient to determine the role of this variant in disease. Therefore, it has been classified as a Variant of Uncertain Significance.

Institute for Clinical Genetics, University Hospital TU Dresden, University Hospital TU Dresden
Classification: Uncertain significance. Last evaluated: 2021-11-03. Review status: criteria provided, single submitter. Criteria: ACMG Guidelines, 2015. Collection method: clinical testing. Allele origin: germline.